The following is an entry in ClinVar:

NM_000168.6(GLI3):c.3840G>C (p.Lys1280Asn)

Gene: GLI3 (GLI family zinc finger 3; minus strand). Cytogenetic location: 7p14.1.
Variant type: single nucleotide variant.
Coding change: c.3840G>C on transcript NM_000168.6 (MANE Select); coding-DNA position 3840, G replaced by C.
Protein change: p.Lys1280Asn; replaces lysine 1280 with asparagine.
Molecular consequence: missense variant.
Genome position (GRCh38, 1-based): chr7:41,965,233, C>G on the plus strand (G>C on the coding strand, the complement: GLI3 is on the minus strand). VCF-style: chr7-41965233-C-G. GRCh37 (hg19) VCF-style: chr7-42004831-C-G.
Other names: short protein forms K1280N.
Identifiers: ClinVar variation 3769975 (VCV003769975.1).

ClinVar aggregate classification (germline): Uncertain significance (1 of 4 stars; one submission).

Submission:

GeneDx
Classification: Uncertain significance. Last evaluated: 2024-09-12. Review status: criteria provided, single submitter. Criteria: GeneDx Variant Classification Process June 2021. Collection method: clinical testing. Allele origin: germline. Affected: yes.
Comment: Not observed at significant frequency in large population cohorts (gnomAD); In silico analysis indicates that this missense variant does not alter protein structure/function; Has not been previously published as pathogenic or benign to our knowledge